The following is an entry in ClinVar:

NM_138395.4(MARS2):c.1394A>G (p.Asp465Gly)

Gene: MARS2 (methionyl-tRNA synthetase 2, mitochondrial; plus strand). Cytogenetic location: 2q33.1.
Variant type: single nucleotide variant.
Coding change: c.1394A>G on transcript NM_138395.4 (MANE Select); coding-DNA position 1394, A replaced by G.
Protein change: p.Asp465Gly; replaces aspartic acid 465 with glycine.
Molecular consequence: missense variant.
Genome position (GRCh38, 1-based): chr2:197,706,799, A>G. VCF-style: chr2-197706799-A-G. GRCh37 (hg19) VCF-style: chr2-198571523-A-G.
Other names: short protein forms D465G.
Identifiers: ClinVar variation 1896547 (VCV001896547.5), dbSNP rs1156370664, ClinGen allele CA350214686.
Genomic context (GRCh38, chr2:197,706,799, plus strand): 5'-AGGATTATGCTCTGGTGAGCGCAGTGGCCACTTTGCCAAAGCAGGTAGCAGACCACTATG[A>G]TAACTTTCGGATATATAAGGCTCTGGAGGCCGTGTCCAGCTGTGTCCGGCAAACTAATGG-3'
Protein context (NP_612404.1, residues 455-475): TLPKQVADHY[Asp465Gly]NFRIYKALEA

ClinVar aggregate classification (germline): Uncertain significance (1 of 4 stars; one submission).

Allele frequency attached by ClinVar (database versions not stated): gnomAD exomes below 0.00001.
gnomAD v4.1: 2 of 1,614,132 alleles (0.00012%); highest among the groups gnomAD compares: Non-Finnish European, 0.00017%; no homozygotes.

Submission:

Labcorp Genetics (formerly Invitae), Labcorp
Classification: Uncertain significance. Last evaluated: 2024-11-05. Review status: criteria provided, single submitter. Criteria: Invitae Variant Classification Sherloc (09022015). Collection method: clinical testing. Allele origin: germline.
Comment: This sequence change replaces aspartic acid, which is acidic and polar, with glycine, which is neutral and non-polar, at codon 465 of the MARS2 protein (p.Asp465Gly). This variant is present in population databases (no rsID available, gnomAD 0.0009%). This variant has not been reported in the literature in individuals affected with MARS2-related conditions. ClinVar contains an entry for this variant (Variation ID: 1896547). Invitae Evidence Modeling of protein sequence and biophysical properties (such as structural, functional, and spatial information, amino acid conservation, physicochemical variation, residue mobility, and thermodynamic stability) indicates that this missense variant is not expected to disrupt MARS2 protein function with a negative predictive value of 80%. In summary, the available evidence is currently insufficient to determine the role of this variant in disease. Therefore, it has been classified as a Variant of Uncertain Significance.